The following is an entry in ClinVar:

NM_001330700.2(TOP2B):c.3928C>A (p.Pro1310Thr)

Gene: TOP2B (DNA topoisomerase II beta; minus strand). Cytogenetic location: 3p24.2.
Variant type: single nucleotide variant.
Coding change: c.3928C>A on transcript NM_001330700.2 (MANE Select); coding-DNA position 3928, C replaced by A.
Protein change: p.Pro1310Thr; replaces proline 1310 with threonine.
Molecular consequence: missense variant.
Genome position (GRCh38, 1-based): chr3:25,609,571, G>T on the plus strand (C>A on the coding strand, the complement: TOP2B is on the minus strand). VCF-style: chr3-25609571-G-T. GRCh37 (hg19) VCF-style: chr3-25651062-G-T.
Other names: c.3913C>A, p.Pro1305Thr (NM_001068.3); short protein forms P1305T, P1310T.
Identifiers: ClinVar variation 1479675 (VCV001479675.8), dbSNP rs746245807, ClinGen allele CA2288201.

ClinVar aggregate classification (germline): Uncertain significance (1 of 4 stars; one submission).

gnomAD v4.1: 30 of 1,606,184 alleles (0.0019%); highest among the groups gnomAD compares: Non-Finnish European, 0.0023%; no homozygotes.

Submission:

Labcorp Genetics (formerly Invitae), Labcorp
Classification: Uncertain significance. Last evaluated: 2023-07-25. Review status: criteria provided, single submitter. Criteria: Invitae Variant Classification Sherloc (09022015). Collection method: clinical testing. Allele origin: germline.
Comment: In summary, the available evidence is currently insufficient to determine the role of this variant in disease. Therefore, it has been classified as a Variant of Uncertain Significance. An algorithm developed to predict the effect of missense changes on protein structure and function (PolyPhen-2) suggests that this variant is likely to be tolerated. ClinVar contains an entry for this variant (Variation ID: 1479675). This variant has not been reported in the literature in individuals affected with TOP2B-related conditions. This variant is present in population databases (rs746245807, gnomAD 0.01%). This sequence change replaces proline, which is neutral and non-polar, with threonine, which is neutral and polar, at codon 1305 of the TOP2B protein (p.Pro1305Thr).